The following is an entry in ClinVar:

NM_000308.4(CTSA):c.768C>A (p.Cys256Ter)

Gene: CTSA (cathepsin A; plus strand). Cytogenetic location: 20q13.12.
Variant type: single nucleotide variant.
Coding change: c.768C>A on transcript NM_000308.4 (MANE Select); coding-DNA position 768, C replaced by A.
Protein change: p.Cys256Ter; replaces cysteine 256 with a stop codon.
Molecular consequence: nonsense. On other transcripts: non-coding transcript variant (1).
Genome position (GRCh38, 1-based): chr20:45,894,063, C>A. VCF-style: chr20-45894063-C-A. GRCh37 (hg19) VCF-style: chr20-44522702-C-A.
Other names: c.768C>A, p.Cys256Ter (NM_001127695.3); c.717C>A, p.Cys239Ter (NM_001167594.3); short protein forms C256*, C239*.
Identifiers: ClinVar variation 632374 (VCV000632374.11), dbSNP rs767712946, ClinGen allele CA315664030.

ClinVar aggregate classification (germline): Pathogenic/Likely pathogenic. Review status: criteria provided, multiple submitters, no conflicts (2 of 4 stars). 2 submissions from 2 submitters: Pathogenic (1); Likely pathogenic (1). Last evaluated 2024-11-03.

Conditions:
Combined deficiency of sialidase AND beta galactosidase (GSL). Also called: PPCA DEFICIENCY; PROTECTIVE PROTEIN/CATHEPSIN A DEFICIENCY; CATHEPSIN A DEFICIENCY; GOLDBERG SYNDROME; NEURAMINIDASE DEFICIENCY WITH BETA-GALACTOSIDASE DEFICIENCY; NEURAMINIDASE/BETA-GALACTOSIDASE EXPRESSION. Identifiers: Orphanet 351, MedGen C0268233, MONDO:0009737, OMIM 256540.

Allele frequency attached by ClinVar (database versions not stated): TOPMed 0.00006.
gnomAD v4.1: 5 of 1,607,802 alleles (0.00031%); highest among the groups gnomAD compares: African/African-American, 0.0067%; no homozygotes.

Submissions (2):

Labcorp Genetics (formerly Invitae), Labcorp
Classification: Pathogenic for Combined deficiency of sialidase AND beta galactosidase. Last evaluated: 2024-11-03. Review status: criteria provided, single submitter. Criteria: Invitae Variant Classification Sherloc (09022015). Collection method: clinical testing. Allele origin: germline.
Comment: This sequence change creates a premature translational stop signal (p.Cys274*) in the CTSA gene. It is expected to result in an absent or disrupted protein product. Loss-of-function variants in CTSA are known to be pathogenic (PMID: 15110321, 23915561). This variant is not present in population databases (gnomAD no frequency). This variant has not been reported in the literature in individuals affected with CTSA-related conditions. ClinVar contains an entry for this variant (Variation ID: 632374). Algorithms developed to predict the effect of sequence changes on RNA splicing suggest that this variant may disrupt the consensus splice site. For these reasons, this variant has been classified as Pathogenic.

Fulgent Genetics
Classification: Likely pathogenic for Combined deficiency of sialidase AND beta galactosidase. Last evaluated: 2024-06-10. Review status: criteria provided, single submitter. Criteria: ACMG Guidelines, 2015. Collection method: clinical testing. Allele origin: germline.

Literature cited by the submitters: PubMed 15110321 (cited by Labcorp Genetics (formerly Invitae), Labcorp); PubMed 23915561 (cited by Labcorp Genetics (formerly Invitae), Labcorp).